The following is an entry in ClinVar:

ClinVar aggregate classification (germline): Uncertain significance (1 of 4 stars; one submission).

Conditions:
GNAS-related disorder. Identifiers: MedGen CN380105.

gnomAD v4.1: 2 of 1,611,280 alleles (0.00012%); highest among the groups gnomAD compares: African/African-American, 0.0013%; no homozygotes.

Submission:

PreventionGenetics, part of Exact Sciences
Classification: Uncertain significance for GNAS-related condition. Last evaluated: 2025-10-21. Review status: criteria provided, single submitter. Criteria: ACMG Guidelines, 2015. Collection method: clinical testing. Allele origin: germline.
Comment: The GNAS c.76C>T variant is predicted to result in the amino acid substitution p.Arg26Cys. This variant corresponds to a pre-coding position in the primary transcript of this gene (NM_000516:c.-51545C>T). To our knowledge, this variant has not been reported in the literature or in a large population database (gnomAD), indicating this variant is rare. At this time, the clinical significance of this variant is uncertain due to the absence of conclusive functional and genetic evidence.

NM_016592.5(GNAS):c.76C>T (p.Arg26Cys)

Genes: GNAS (GNAS complex locus; plus strand), GNAS-AS1 (GNAS antisense RNA 1; minus strand). Cytogenetic location: 20q13.32.
Variant type: single nucleotide variant.
Coding change: c.76C>T on transcript NM_016592.5 (MANE Plus Clinical); coding-DNA position 76, C replaced by T.
Protein change: p.Arg26Cys; replaces arginine 26 with cysteine.
Molecular consequence: missense variant. On other transcripts: 5 prime UTR variant (1).
Genome position (GRCh38, 1-based): chr20:58,840,182, C>T. VCF-style: chr20-58840182-C-T. GRCh37 (hg19) VCF-style: chr20-57415237-C-T.
Other names: c.-662C>T (NM_001410912.1); short protein forms R26C.
Identifiers: ClinVar variation 4995610 (VCV004995610.1).